The following is an entry in ClinVar:

NM_000535.7(PMS2):c.2282T>C (p.Val761Ala)

Gene: PMS2 (PMS1 homolog 2, mismatch repair system component; minus strand). Cytogenetic location: 7p22.1.
Variant type: single nucleotide variant.
Coding change: c.2282T>C on transcript NM_000535.7 (MANE Select); coding-DNA position 2282, T replaced by C.
Protein change: p.Val761Ala; replaces valine 761 with alanine.
Molecular consequence: missense variant.
Genome position (GRCh38, 1-based): chr7:5,977,751, A>G on the plus strand (T>C on the coding strand, the complement: PMS2 is on the minus strand). VCF-style: chr7-5977751-A-G. GRCh37 (hg19) VCF-style: chr7-6017382-A-G.
Other names: c.1877T>C, p.Val626Ala (NM_001018040.1, NM_001322003.2, NM_001322004.2 and 12 more transcripts); c.2126T>C, p.Val709Ala (NM_001322006.2); c.1964T>C, p.Val655Ala (NM_001322007.2, NM_001322008.2, NM_001406883.1); c.1910T>C, p.Val637Ala (NM_001322009.2, NM_001406887.1, NM_001406888.1); c.1721T>C, p.Val574Ala (NM_001322010.2, NM_001406906.1, NM_001406907.1); c.1349T>C, p.Val450Ala (NM_001322011.2, NM_001322012.2); c.1709T>C, p.Val570Ala (NM_001322013.2, NM_001406908.1, NM_001406909.1); c.2315T>C, p.Val772Ala (NM_001322014.2); and 18 more; short protein forms V626A, V669A, V705A, V360A, V590A, V603A, V637A, V655A.
Identifiers: ClinVar variation 1788963 (VCV001788963.4), dbSNP rs1305402798, ClinGen allele CA366736177.

ClinVar aggregate classification (germline): Uncertain significance. Review status: criteria provided, multiple submitters, no conflicts (2 of 4 stars). 2 submissions from 2 submitters: Uncertain significance (2). Last evaluated 2025-02-26.

Conditions:
Hereditary cancer-predisposing syndrome. Also called: Hereditary Cancer Syndrome; Hereditary neoplastic syndrome; Tumor predisposition; Neoplastic Syndromes, Hereditary. Identifiers: Orphanet 140162, MedGen C0027672, MeSH D009386, MONDO:0015356.

Submissions (2):

Color Diagnostics, LLC DBA Color Health
Classification: Uncertain significance for Hereditary cancer-predisposing syndrome. Last evaluated: 2025-02-26. Review status: criteria provided, single submitter. Criteria: ACMG Guidelines, 2015. Collection method: clinical testing. Allele origin: germline.
Comment: This missense variant replaces valine with alanine at codon 761 of the PMS2 protein. Computational prediction suggests that this variant may not impact protein structure and function. To our knowledge, functional studies have not been reported for this variant. This variant has not been reported in individuals affected with PMS2-related disorders in the literature. This variant has not been identified in the general population by the Genome Aggregation Database (gnomAD). The available evidence is insufficient to determine the role of this variant in disease conclusively. Therefore, this variant is classified as a Variant of Uncertain Significance.

Ambry Genetics
Classification: Uncertain significance for Hereditary cancer-predisposing syndrome. Last evaluated: 2022-07-21. Review status: criteria provided, single submitter. Criteria: Ambry Variant Classification Scheme 2023. Collection method: clinical testing. Allele origin: germline.
Comment: The p.V761A variant (also known as c.2282T>C), located in coding exon 14 of the PMS2 gene, results from a T to C substitution at nucleotide position 2282. The valine at codon 761 is replaced by alanine, an amino acid with similar properties. This amino acid position is conserved. In addition, this alteration is predicted to be tolerated by in silico analysis. Since supporting evidence is limited at this time, the clinical significance of this alteration remains unclear.